The following is an entry in ClinVar:

ClinVar aggregate classification (germline): Pathogenic (1 of 4 stars; one submission).

Submission:

Quest Diagnostics Nichols Institute San Juan Capistrano
Classification: Pathogenic. Last evaluated: 2021-07-21. Review status: criteria provided, single submitter. Criteria: ACMG/ClinGen CNV Guidelines, 2019. Collection method: clinical testing. Allele origin: unknown.
Comment: The copy number loss of 2p16.3 involves multiple exons of a 5' portion of NRXN1 (OMIM 600565) and is expected to cause phenotypic and/or developmental abnormalities. Haploinsufficiency of NRXN1 may predispose to a wide spectrum of developmental disorders and neuropsychiatric disorders, including intellectual disability, autism spectrum disorders, hypotonia, and epilepsy (Al Shehhi et al., Eur J Med Genet. 2018 Jul 18. Pii: S1769-7212(18)30079-X., PMID: 30031152; Ching et al., Am J Med Genet B Neuropsychiatr Genet. 2010 Jun 5;153B(4):937-47, PMID: 20468056). Most individuals with NRXN1 exonic deletions have developmental delay (particularly speech), abnormal behaviors, and mild dysmorphic features. In a cohort of over 20 individuals with NRXN1 exonic deletions, autism spectrum disorders were diagnosed in 43% (10/23), and 16% (4/25) had epilepsy (Dabell MP, et al., Am J Med Genet A. 2013 Apr;161A(4):717-31; PMID: 23495017). Partial deletions near the 5' end are suggested to have a higher penetrance related to the expression of neurodevelopmental phenotypes compared to those at the 3' end (Lowther et al. Genet Med. 2017 Jan;19(1):53-61. PMID: 27195815). Most described cases have a de novo NRXN1 deletion, but some have been inherited from an unaffected parent, suggesting incomplete penetrance or variable expressivity. Additional information: biallelic pathogenic sequence variants of NRXN1 are associated with Pitt-Hopkins-like syndrome-2 (OMIM 614325).

GRCh37/hg19 2p16.3(chr2:51014918-51470037)x1

Gene: NRXN1 (neurexin 1; minus strand). Cytogenetic location: 2p16.3.
Variant type: copy number loss.
Change: copy number 1 (one copy instead of two) of chr2:51,014,918-51,470,037 (455.1 kb, GRCh37 coordinates, 1-based), cytogenetic band 2p16.3.
Identifiers: ClinVar variation 1807720 (VCV001807720.1).